The following is an entry in ClinVar:

NM_015122.3(FCHO1):c.2206G>A (p.Val736Met)

Gene: FCHO1 (FCH and mu domain containing endocytic adaptor 1; plus strand). Cytogenetic location: 19p13.11.
Variant type: single nucleotide variant.
Coding change: c.2206G>A on transcript NM_015122.3 (MANE Select); coding-DNA position 2206, G replaced by A.
Protein change: p.Val736Met; replaces valine 736 with methionine.
Molecular consequence: missense variant. On other transcripts: non-coding transcript variant (35), intron variant (2).
Genome position (GRCh38, 1-based): chr19:17,784,215, G>A. VCF-style: chr19-17784215-G-A. GRCh37 (hg19) VCF-style: chr19-17895024-G-A.
Other names: c.2056G>A, p.Val686Met (NM_001161359.2, NM_001384384.1, NM_001384385.1 and 1 more transcripts); c.2206G>A, p.Val736Met (NM_001384370.1, NM_001384371.1, NM_001384372.1 and 13 more transcripts); c.1930G>A, p.Val644Met (NM_001384397.1, NM_001384396.1, NM_001384398.1 and 5 more transcripts); c.2131G>A, p.Val711Met (NM_001384390.1); c.2089G>A, p.Val697Met (NM_001384392.1, NM_001384393.1, NM_001384394.1 and 1 more transcripts); c.1523+1043G>A (NM_001384407.1); c.2054+1043G>A (NM_001384405.1); c.2167G>A, p.Val723Met (NM_001384388.1, NM_001384389.1); and 2 more; short protein forms V629M, V644M, V723M, V594M, V697M, V711M, V736M, V686M.
Identifiers: ClinVar variation 2096854 (VCV002096854.4), dbSNP rs752500369, ClinGen allele CA9300785.

ClinVar aggregate classification (germline): Uncertain significance (1 of 4 stars; one submission).

Allele frequency attached by ClinVar (database versions not stated): TOPMed below 0.00001; ExAC 0.00001; gnomAD 0.00001.
gnomAD v4.1: 5 of 1,611,360 alleles (0.00031%); highest among the groups gnomAD compares: Admixed American, 0.0017%; no homozygotes.

Submission:

Labcorp Genetics (formerly Invitae), Labcorp
Classification: Uncertain significance. Last evaluated: 2024-11-16. Review status: criteria provided, single submitter. Criteria: Invitae Variant Classification Sherloc (09022015). Collection method: clinical testing. Allele origin: germline.
Comment: This sequence change replaces valine, which is neutral and non-polar, with methionine, which is neutral and non-polar, at codon 736 of the FCHO1 protein (p.Val736Met). This variant is present in population databases (rs752500369, gnomAD 0.003%). This variant has not been reported in the literature in individuals affected with FCHO1-related conditions. ClinVar contains an entry for this variant (Variation ID: 2096854). An algorithm developed to predict the effect of missense changes on protein structure and function (PolyPhen-2) suggests that this variant is likely to be disruptive. In summary, the available evidence is currently insufficient to determine the role of this variant in disease. Therefore, it has been classified as a Variant of Uncertain Significance.